The following is an entry in ClinVar:

NM_001194.4(HCN2):c.1533G>C (p.Lys511Asn)

Gene: HCN2 (hyperpolarization activated cyclic nucleotide gated potassium and sodium channel 2; plus strand). Cytogenetic location: 19p13.3.
Variant type: single nucleotide variant.
Coding change: c.1533G>C on transcript NM_001194.4 (MANE Select); coding-DNA position 1533, G replaced by C.
Protein change: p.Lys511Asn; replaces lysine 511 with asparagine.
Molecular consequence: missense variant.
Genome position (GRCh38, 1-based): chr19:610,354, G>C. VCF-style: chr19-610354-G-C. GRCh37 (hg19) VCF-style: chr19-610354-G-C.
Other names: short protein forms K511N.
Identifiers: ClinVar variation 2630572 (VCV002630572.1), dbSNP rs778645411, ClinGen allele CA402879424.

ClinVar aggregate classification (germline): Uncertain significance (1 of 4 stars; one submission).

Conditions:
HCN2-related disorder. Also called: HCN2-related condition.

gnomAD v4.1: 2 of 1,613,690 alleles (0.00012%); highest among the groups gnomAD compares: African/African-American, 0.0027%; no homozygotes.

Submission:

PreventionGenetics, part of Exact Sciences
Classification: Uncertain significance for HCN2-related condition. Last evaluated: 2023-02-28. Review status: criteria provided, single submitter. Criteria: ACMG Guidelines, 2015. Collection method: clinical testing. Allele origin: germline.
Comment: The HCN2 c.1533G>C variant is predicted to result in the amino acid substitution p.Lys511Asn. To our knowledge, this variant has not been reported in the literature. This variant is reported in 0.012% of alleles in individuals of African descent in gnomAD. At this time, the clinical significance of this variant is uncertain due to the absence of conclusive functional and genetic evidence.